The following is an entry in ClinVar:

ClinVar aggregate classification (germline): Uncertain significance (1 of 4 stars; one submission).

Submission:

Women's Health and Genetics/Laboratory Corporation of America, LabCorp
Classification: Uncertain significance. Last evaluated: 2026-01-19. Review status: criteria provided, single submitter. Criteria: LabCorp Variant Classification Summary - May 2015. Collection method: clinical testing. Allele origin: germline.
Comment: Variant summary: HERC1 c.1149T>A (p.His383Gln) results in a non-conservative amino acid change in the encoded protein sequence. Algorithms developed to predict the effect of missense changes on protein structure and function are either unavailable or do not agree on the potential impact of this missense change. The variant was absent in 249264 control chromosomes. The available data on variant occurrences in the general population are insufficient to allow any conclusion about variant significance. To our knowledge, no occurrence of c.1149T>A in individuals affected with HERC1-related conditions and no experimental evidence demonstrating its impact on protein function have been reported. No submitters have cited clinical-significance assessments for this variant to ClinVar. Based on the evidence outlined above, the variant was classified as uncertain significance.

NM_003922.4(HERC1):c.1149T>A (p.His383Gln)

Gene: HERC1 (HECT and RLD domain containing E3 ubiquitin protein ligase family member 1; minus strand). Cytogenetic location: 15q22.31.
Variant type: single nucleotide variant.
Coding change: c.1149T>A on transcript NM_003922.4 (MANE Select); coding-DNA position 1149, T replaced by A.
Protein change: p.His383Gln; replaces histidine 383 with glutamine.
Molecular consequence: missense variant.
Genome position (GRCh38, 1-based): chr15:63,758,247, A>T on the plus strand (T>A on the coding strand, the complement: HERC1 is on the minus strand). VCF-style: chr15-63758247-A-T. GRCh37 (hg19) VCF-style: chr15-64050446-A-T.
Other names: short protein forms H383Q.
Identifiers: ClinVar variation 4689302 (VCV004689302.1).